The following is an entry in ClinVar:

NM_022455.5(NSD1):c.7159C>G (p.Pro2387Ala)

Gene: NSD1 (nuclear receptor binding SET domain protein 1; plus strand). Cytogenetic location: 5q35.3.
Variant type: single nucleotide variant.
Coding change: c.7159C>G on transcript NM_022455.5 (MANE Select); coding-DNA position 7159, C replaced by G.
Protein change: p.Pro2387Ala; replaces proline 2387 with alanine.
Molecular consequence: missense variant.
Genome position (GRCh38, 1-based): chr5:177,294,527, C>G. VCF-style: chr5-177294527-C-G. GRCh37 (hg19) VCF-style: chr5-176721528-C-G.
Other names: c.6286C>G, p.Pro2096Ala (NM_001365684.2, NM_001409308.1, NM_172349.5); c.7159C>G, p.Pro2387Ala (NM_001409301.1, NM_001409302.1, NM_001409303.1); c.6739C>G, p.Pro2247Ala (NM_001409304.1); c.6406C>G, p.Pro2136Ala (NM_001409305.1); c.6397C>G, p.Pro2133Ala (NM_001409306.1, NM_001409307.1); c.6037C>G, p.Pro2013Ala (NM_001409309.1); short protein forms P2118A, P2387A, P2136A, P2133A, P2013A, P2096A, P2247A.
Identifiers: ClinVar variation 998325 (VCV000998325.7), dbSNP rs1416255762, ClinGen allele CA362328615.
Genomic context (GRCh38, chr5:177,294,527, plus strand): 5'-GCTGCCAGCCCAAGGCCCCAGTCACTGGAGAAAACCTCAGTTCCCACTGGCCTGAGACTT[C>G]CGCCGCCAGACAGACTGCTCATTACTAGCAGTCCCAAACCCCAGACTTCAGACAGGCCTA-3'
Protein context (NP_071900.2, residues 2377-2397): KTSVPTGLRL[Pro2387Ala]PPDRLLITSS

ClinVar aggregate classification (germline): Conflicting classifications of pathogenicity. Review status: criteria provided, conflicting classifications (1 of 4 stars). 4 submissions from 4 submitters: Uncertain significance (3); Likely benign (1). Last evaluated 2026-01-25.

Conditions:
Sotos syndrome (SOTOS). Also called: Sotos' syndrome; CHROMOSOME 5q35 DELETION SYNDROME; SOTOS SYNDROME 1; Distinctive facial appearance, overgrowth in childhood, and learning disabilities or delayed development; CEREBRAL GIGANTISM. Identifiers: Orphanet 821, MedGen C0175695, MONDO:0019349, OMIM 117550.

Allele frequency attached by ClinVar (database versions not stated): gnomAD exomes below 0.00001.
gnomAD v4.1: 2 of 1,614,222 alleles (0.00012%); highest among the groups gnomAD compares: Admixed American, 0.0017%; no homozygotes.

Submissions (4):

Labcorp Genetics (formerly Invitae), Labcorp
Classification: Likely benign. Last evaluated: 2026-01-25. Review status: criteria provided, single submitter. Criteria: Invitae Variant Classification Sherloc (09022015). Collection method: clinical testing. Allele origin: germline.

Genome-Nilou Lab
Classification: Uncertain significance for Sotos syndrome. Last evaluated: 2021-07-15. Review status: criteria provided, single submitter. Criteria: ACMG Guidelines, 2015. Collection method: clinical testing. Allele origin: germline. Affected: no.

Baylor Genetics
Classification: Uncertain significance for Sotos syndrome. Last evaluated: 2020-12-04. Review status: criteria provided, single submitter. Criteria: ACMG Guidelines, 2015. Collection method: clinical testing. Allele origin: maternal. Affected: yes. Study: CSER-TexasKidsCanSeq.
Comment: This variant was determined to be of uncertain significance according to ACMG Guidelines, 2015 [PMID:25741868].

GeneDx
Classification: Uncertain significance. Last evaluated: 2020-02-24. Review status: criteria provided, single submitter. Criteria: GeneDx Variant Classification Process June 2021. Collection method: clinical testing. Allele origin: germline. Affected: yes.
Comment: Not observed at a significant frequency in large population cohorts (Lek 2016); In silico analysis supports that this missense variant does not alter protein structure/function; Has not been previously published as pathogenic or benign to our knowledge